The following is an entry in ClinVar:

NM_000435.3(NOTCH3):c.316T>A (p.Cys106Ser)

Gene: NOTCH3 (notch receptor 3; minus strand). Cytogenetic location: 19p13.12.
Variant type: single nucleotide variant.
Coding change: c.316T>A on transcript NM_000435.3 (MANE Select); coding-DNA position 316, T replaced by A.
Protein change: p.Cys106Ser; replaces cysteine 106 with serine.
Molecular consequence: missense variant.
Genome position (GRCh38, 1-based): chr19:15,192,401, A>T on the plus strand (T>A on the coding strand, the complement: NOTCH3 is on the minus strand). VCF-style: chr19-15192401-A-T. GRCh37 (hg19) VCF-style: chr19-15303212-A-T.
Other names: short protein forms C106S.
Identifiers: ClinVar variation 1807396 (VCV001807396.1), dbSNP rs1555729589, ClinGen allele CA404534798.
Genomic context (GRCh38, chr19:15,192,401, plus strand): 5'-CCCGACTACCTCCCCTCCAGACTCTTCCCCTCTCACCTCGGAAGCCACGGGGGCACCGGC[A>T]TGAGAATCGGGCGGTGCCAGCCACCACTGAACTCTGGCAGACACCACGGCCAGCACAGGG-3'
Protein context (NP_000426.2, residues 96-116): SVVAGTARFS[Cys106Ser]RCPRGFRGPD

ClinVar aggregate classification (germline): Likely pathogenic (1 of 4 stars; one submission).

Submission:

Athena Diagnostics
Classification: Likely pathogenic. Last evaluated: 2022-07-02. Review status: criteria provided, single submitter. Criteria: Athena Diagnostics Criteria. Collection method: clinical testing. Allele origin: unknown.
Comment: This variant has not been reported in large, multi-ethnic general populations. At least one other missense variant at this codon is considered to be pathogenic or likely pathogenic, suggesting this variant may also cause disease. This variant alters a critical location within the protein, and is expected to severely affect function and cause disease. Greater than 90% of pathogenic variants identified in NOTCH3 involve the gain or loss of a cysteine residue within the epidermal growth factor (EGF)-like repeat domain.